The following is an entry in ClinVar:

NM_005314.3(GRPR):c.504C>T (p.Ser168=)

Gene: GRPR (gastrin releasing peptide receptor; plus strand). Cytogenetic location: Xp22.2.
Variant type: single nucleotide variant.
Coding change: c.504C>T on transcript NM_005314.3 (MANE Select); coding-DNA position 504, C replaced by T.
Protein change: p.Ser168=; no amino-acid change (serine 168 retained).
Molecular consequence: synonymous variant.
Genome position (GRCh38, 1-based): chrX:16,150,395, C>T. VCF-style: chrX-16150395-C-T. GRCh37 (hg19) VCF-style: chrX-16168518-C-T.
Identifiers: ClinVar variation 753760 (VCV000753760.5), dbSNP rs149768942, ClinGen allele CA10356563.

ClinVar aggregate classification (germline): Likely benign. Review status: criteria provided, single submitter (1 of 4 stars). 2 submissions from 2 submitters: Likely benign (1). 1 of the submissions does not count toward it. Last evaluated 2018-06-29.

Conditions:
GRPR-related disorder. Also called: GRPR-related condition.

Allele frequency attached by ClinVar (database versions not stated): ESP Exome Variant Server 0.00009; TOPMed 0.00012; gnomAD 0.00014 and 0.00015; gnomAD exomes 0.00015 and 0.00039; ExAC 0.00019.

Submissions (2):

Labcorp Genetics (formerly Invitae), Labcorp
Classification: Likely benign. Last evaluated: 2018-06-29. Review status: criteria provided, single submitter. Criteria: Invitae Variant Classification Sherloc (09022015). Collection method: clinical testing. Allele origin: germline.

PreventionGenetics, part of Exact Sciences
Classification: Likely benign for GRPR-related condition. Last evaluated: 2019-05-07. Review status: no assertion criteria provided. Collection method: clinical testing. Allele origin: germline. Not counted in ClinVar's aggregate classification.
Comment: This variant is classified as likely benign based on ACMG/AMP sequence variant interpretation guidelines (Richards et al. 2015 PMID: 25741868, with internal and published modifications).